The following is an entry in ClinVar:

ClinVar aggregate classification (germline): Uncertain significance (1 of 4 stars; one submission).

Conditions:
Retinoblastoma (RB1). Also called: RETINOBLASTOMA, SOMATIC. Identifiers: Orphanet 790, MedGen C0035335, MeSH D012175, MONDO:0008380, OMIM 180200, HP:0009919. Disease mechanism: loss of function. Inheritance: Both sporadic and heritable forms are tested..

Submission:

Labcorp Genetics (formerly Invitae), Labcorp
Classification: Uncertain significance for Retinoblastoma. Last evaluated: 2019-09-23. Review status: criteria provided, single submitter. Criteria: Invitae Variant Classification Sherloc (09022015). Collection method: clinical testing. Allele origin: germline.
Comment: In summary, the available evidence is currently insufficient to determine the role of this variant in disease. Therefore, it has been classified as a Variant of Uncertain Significance. Algorithms developed to predict the effect of missense changes on protein structure and function are either unavailable or do not agree on the potential impact of this missense change (SIFT: "Tolerated"; PolyPhen-2: "Benign"; Align-GVGD: "Class C0"). This variant has not been reported in the literature in individuals with RB1-related conditions. This variant is not present in population databases (ExAC no frequency). This sequence change replaces threonine with serine at codon 252 of the RB1 protein (p.Thr252Ser). The threonine residue is highly conserved and there is a small physicochemical difference between threonine and serine.

NM_000321.3(RB1):c.754A>T (p.Thr252Ser)

Gene: RB1 (RB transcriptional corepressor 1; plus strand). Cytogenetic location: 13q14.2.
Variant type: single nucleotide variant.
Coding change: c.754A>T on transcript NM_000321.3 (MANE Select); coding-DNA position 754, A replaced by T.
Protein change: p.Thr252Ser; replaces threonine 252 with serine.
Molecular consequence: missense variant.
Genome position (GRCh38, 1-based): chr13:48,362,850, A>T. VCF-style: chr13-48362850-A-T. GRCh37 (hg19) VCF-style: chr13-48936986-A-T.
Other names: short protein forms T252S.
Identifiers: ClinVar variation 942280 (VCV000942280.9), dbSNP rs1952655426, ClinGen allele CA388159331.